The following is an entry in ClinVar:

NM_002471.4(MYH6):c.3826A>C (p.Thr1276Pro)

Gene: MYH6 (myosin heavy chain 6; minus strand). Cytogenetic location: 14q11.2.
Variant type: single nucleotide variant.
Coding change: c.3826A>C on transcript NM_002471.4 (MANE Select); coding-DNA position 3826, A replaced by C.
Protein change: p.Thr1276Pro; replaces threonine 1276 with proline.
Molecular consequence: missense variant.
Genome position (GRCh38, 1-based): chr14:23,389,626, T>G on the plus strand (A>C on the coding strand, the complement: MYH6 is on the minus strand). VCF-style: chr14-23389626-T-G. GRCh37 (hg19) VCF-style: chr14-23858835-T-G.
Other names: short protein forms T1276P.
Identifiers: ClinVar variation 4994162 (VCV004994162.1).

ClinVar aggregate classification (germline): Uncertain significance (1 of 4 stars; one submission).

Conditions:
MYH6-related disorder. Also called: MYH6-Related Disorders; MYH6-related condition.

Submission:

PreventionGenetics, part of Exact Sciences
Classification: Uncertain significance for MYH6-related condition. Last evaluated: 2025-09-12. Review status: criteria provided, single submitter. Criteria: ACMG Guidelines, 2015. Collection method: clinical testing. Allele origin: germline.
Comment: The MYH6 c.3826A>C variant is predicted to result in the amino acid substitution p.Thr1276Pro. To our knowledge, this variant has not been reported in the literature or in a large population database (gnomAD), indicating this variant is rare. At this time, the clinical significance of this variant is uncertain due to the absence of conclusive functional and genetic evidence.